The following is an entry in ClinVar:

NM_005461.5(MAFB):c.19A>G (p.Met7Val)

Gene: MAFB (MAF bZIP transcription factor B; minus strand). Cytogenetic location: 20q12.
Variant type: single nucleotide variant.
Coding change: c.19A>G on transcript NM_005461.5 (MANE Select); coding-DNA position 19, A replaced by G.
Protein change: p.Met7Val; replaces methionine 7 with valine.
Molecular consequence: missense variant.
Genome position (GRCh38, 1-based): chr20:40,688,832, T>C on the plus strand (A>G on the coding strand, the complement: MAFB is on the minus strand). VCF-style: chr20-40688832-T-C. GRCh37 (hg19) VCF-style: chr20-39317472-T-C.
Other names: short protein forms M7V.
Identifiers: ClinVar variation 2968973 (VCV002968973.3), dbSNP rs2515463849, ClinGen allele CA408942065.

ClinVar aggregate classification (germline): Uncertain significance (1 of 4 stars; one submission).

Submission:

Labcorp Genetics (formerly Invitae), Labcorp
Classification: Uncertain significance. Last evaluated: 2024-02-22. Review status: criteria provided, single submitter. Criteria: Invitae Variant Classification Sherloc (09022015). Collection method: clinical testing. Allele origin: germline.
Comment: This sequence change replaces methionine, which is neutral and non-polar, with valine, which is neutral and non-polar, at codon 7 of the MAFB protein (p.Met7Val). This variant is not present in population databases (gnomAD no frequency). This variant has not been reported in the literature in individuals affected with MAFB-related conditions. Advanced modeling of protein sequence and biophysical properties (such as structural, functional, and spatial information, amino acid conservation, physicochemical variation, residue mobility, and thermodynamic stability) performed at Invitae indicates that this missense variant is not expected to disrupt MAFB protein function with a negative predictive value of 80%. In summary, the available evidence is currently insufficient to determine the role of this variant in disease. Therefore, it has been classified as a Variant of Uncertain Significance.